The following is an entry in ClinVar:

ClinVar aggregate classification (germline): Conflicting classifications of pathogenicity. Review status: criteria provided, conflicting classifications (1 of 4 stars). 3 submissions from 3 submitters: Uncertain significance (2); Likely benign (1). Last evaluated 2026-04-27.

Conditions:
Inborn genetic diseases. Identifiers: MedGen C0950123, MeSH D030342.

Allele frequency attached by ClinVar (database versions not stated): gnomAD exomes 0.00001; TOPMed 0.00002; gnomAD 0.00002; ESP Exome Variant Server 0.00008.
gnomAD v4.1: 14 of 1,612,152 alleles (0.00087%); highest among the groups gnomAD compares: African/African-American, 0.0013%; no homozygotes.

Submissions (3):

GeneDx
Classification: Uncertain significance. Last evaluated: 2026-04-27. Review status: criteria provided, single submitter. Criteria: GeneDx Variant Classification Process June 2021. Collection method: clinical testing. Allele origin: germline.
Comment: In silico analysis supports that this missense variant has a deleterious effect on protein structure/function; Has not been previously published as pathogenic or benign to our knowledge

Ambry Genetics
Classification: Likely benign for Inborn genetic diseases. Last evaluated: 2024-10-09. Review status: criteria provided, single submitter. Criteria: Ambry Variant Classification Scheme 2023. Collection method: clinical testing. Allele origin: germline.

Labcorp Genetics (formerly Invitae), Labcorp
Classification: Uncertain significance. Last evaluated: 2023-07-05. Review status: criteria provided, single submitter. Criteria: Invitae Variant Classification Sherloc (09022015). Collection method: clinical testing. Allele origin: germline.
Comment: In summary, the available evidence is currently insufficient to determine the role of this variant in disease. Therefore, it has been classified as a Variant of Uncertain Significance. Advanced modeling of protein sequence and biophysical properties (such as structural, functional, and spatial information, amino acid conservation, physicochemical variation, residue mobility, and thermodynamic stability) has been performed at Invitae for this missense variant, however the output from this modeling did not meet the statistical confidence thresholds required to predict the impact of this variant on CHD8 protein function. This variant has not been reported in the literature in individuals affected with CHD8-related conditions. This variant is present in population databases (rs371169926, gnomAD 0.004%). This sequence change replaces arginine, which is basic and polar, with tryptophan, which is neutral and slightly polar, at codon 2314 of the CHD8 protein (p.Arg2314Trp).

NM_001170629.2(CHD8):c.6940C>T (p.Arg2314Trp)

Genes: CHD8 (chromodomain helicase DNA binding protein 8; minus strand), LOC126861888 (CDK7 strongly-dependent group 2 enhancer GRCh37_chr14:21859227-21860426; plus strand). Cytogenetic location: 14q11.2.
Variant type: single nucleotide variant.
Coding change: c.6940C>T on transcript NM_001170629.2 (MANE Select); coding-DNA position 6940, C replaced by T.
Protein change: p.Arg2314Trp; replaces arginine 2314 with tryptophan.
Molecular consequence: missense variant.
Genome position (GRCh38, 1-based): chr14:21,391,588, G>A on the plus strand (C>T on the coding strand, the complement: CHD8 is on the minus strand). VCF-style: chr14-21391588-G-A. GRCh37 (hg19) VCF-style: chr14-21859747-G-A.
Other names: c.6940C>T (NM_001170629.1); c.6103C>T, p.Arg2035Trp (NM_020920.4); short protein forms R2035W, R2314W.
Identifiers: ClinVar variation 2902924 (VCV002902924.6), dbSNP rs371169926, ClinGen allele CA7090641.
Genomic context (GRCh38, chr14:21,391,588, plus strand): 5'-GGCGAGGGGCATCCTCACCCACCAGCAAAGTACCATCCACCTTATTGATGACAGGGATCC[G>A]GGTCTCCAGGTCCACATCAAGGTGATTAGGCTCTTCCATGCACTCCACCTCCAGCTGCAA-3'
Protein context (NP_001164100.1, residues 2304-2324): PNHLDVDLET[Arg2314Trp]IPVINKVDGT